The following is an entry in ClinVar:

NM_017662.5(TRPM6):c.1018C>T (p.Arg340Ter)

Gene: TRPM6 (transient receptor potential cation channel subfamily M member 6; minus strand). Cytogenetic location: 9q21.13.
Variant type: single nucleotide variant.
Coding change: c.1018C>T on transcript NM_017662.5 (MANE Select); coding-DNA position 1018, C replaced by T.
Protein change: p.Arg340Ter; replaces arginine 340 with a stop codon.
Molecular consequence: nonsense.
Genome position (GRCh38, 1-based): chr9:74,820,420, G>A on the plus strand (C>T on the coding strand, the complement: TRPM6 is on the minus strand). VCF-style: chr9-74820420-G-A. GRCh37 (hg19) VCF-style: chr9-77435336-G-A.
Other names: c.1003C>T, p.Arg335Ter (NM_001177310.2, NM_001177311.2); short protein forms R335*, R340*.
Identifiers: ClinVar variation 3597633 (VCV003597633.4).
Genomic context (GRCh38, chr9:74,820,420, plus strand): 5'-TAAGACTAAAGTTGAAAGTGTTCTGAATCATGCAGATGATCTCCTCTTTCACCTGAGGTC[G>A]CAGCATCCTGGAAGAGAAATAAATGGTCTTGACACAACCCAGAGAGGGGAATGAGCCGGC-3'

ClinVar aggregate classification (germline): Pathogenic/Likely pathogenic. Review status: criteria provided, multiple submitters, no conflicts (2 of 4 stars). 3 submissions from 3 submitters: Pathogenic (1); Likely pathogenic (2). Last evaluated 2025-03-10.

Conditions:
TRPM6-related disorder. Also called: TRPM6-related condition.
Intestinal hypomagnesemia 1. Also called: HYPOMAGNESEMIA, INTESTINAL, WITH SECONDARY HYPOCALCEMIA; HYPOMAGNESEMIC TETANY. Identifiers: Orphanet 30924, MedGen C1865974, MONDO:0011176, OMIM 602014.

gnomAD v4.1: 7 of 1,613,854 alleles (0.00043%); highest among the groups gnomAD compares: South Asian, 0.0022%; no homozygotes.

Submissions (3):

Labcorp Genetics (formerly Invitae), Labcorp
Classification: Pathogenic. Last evaluated: 2025-03-10. Review status: criteria provided, single submitter. Criteria: Invitae Variant Classification Sherloc (09022015). Collection method: clinical testing. Allele origin: germline.
Comment: This sequence change creates a premature translational stop signal (p.Arg340*) in the TRPM6 gene. It is expected to result in an absent or disrupted protein product. Loss-of-function variants in TRPM6 are known to be pathogenic (PMID: 16107578). This variant is present in population databases (rs750008274, gnomAD 0.004%). This variant has not been reported in the literature in individuals affected with TRPM6-related conditions. ClinVar contains an entry for this variant (Variation ID: 3597633). For these reasons, this variant has been classified as Pathogenic.

Fulgent Genetics
Classification: Likely pathogenic for Intestinal hypomagnesemia 1. Last evaluated: 2024-06-24. Review status: criteria provided, single submitter. Criteria: ACMG Guidelines, 2015. Collection method: clinical testing. Allele origin: germline.

Blueprint Genetics
Classification: Likely pathogenic for TRPM6-related disorders. Last evaluated: 2022-11-29. Review status: criteria provided, single submitter. Criteria: ACMG Guidelines, 2015. Collection method: clinical testing. Allele origin: germline. Affected: yes. Observed: 2 variant alleles.

Literature cited by the submitters: PubMed 16107578 (cited by Labcorp Genetics (formerly Invitae), Labcorp).